The following is an entry in ClinVar:

NM_000742.4(CHRNA2):c.373A>G (p.Thr125Ala)

Gene: CHRNA2 (cholinergic receptor nicotinic alpha 2 subunit; minus strand). Cytogenetic location: 8p21.2.
Variant type: single nucleotide variant.
Coding change: c.373A>G on transcript NM_000742.4 (MANE Select); coding-DNA position 373, A replaced by G.
Protein change: p.Thr125Ala; replaces threonine 125 with alanine.
Molecular consequence: missense variant. On other transcripts: 5 prime UTR variant (4).
Genome position (GRCh38, 1-based): chr8:27,467,305, T>C on the plus strand (A>G on the coding strand, the complement: CHRNA2 is on the minus strand). VCF-style: chr8-27467305-T-C. GRCh37 (hg19) VCF-style: chr8-27324822-T-C.
Other names: p.T125A:ACT>GCT; c.328A>G, p.Thr110Ala (NM_001282455.2); c.-100A>G (NM_001347705.2, NM_001347706.2); c.-86A>G (NM_001347707.2); c.-89A>G (NM_001347708.2); short protein forms T125A, T110A.
Identifiers: ClinVar variation 128739 (VCV000128739.29), dbSNP rs891398, ClinGen allele CA288708.
Genomic context (GRCh38, chr8:27,467,305, plus strand): 5'-TGTCGGGGATCCAGATCATCTCAGAAGGGACCCTGAGAGATGTGATGTTGCCAAAATCAG[T>C]GGGGTTCCAGCGCAGTTTGTAGTCGCTCCACTCCTGTGTGTGGGGAAGGAGTTGTGTCAA-3'
Protein context (NP_000733.2, residues 115-135): WSDYKLRWNP[Thr125Ala]DFGNITSLRV

ClinVar aggregate classification (germline): Benign. Review status: criteria provided, multiple submitters, no conflicts (2 of 4 stars). 11 submissions from 11 submitters: Benign (10). 1 of the submissions does not count toward it. Last evaluated 2026-02-04.

Conditions:
Familial sleep-related hypermotor epilepsy. Also called: Autosomal Dominant Sleep-Related Hypermotor (Hyperkinetic) Epilepsy. Identifiers: Orphanet 98784, MedGen C3696898, MONDO:0000030.
Inborn genetic diseases. Identifiers: MedGen C0950123, MeSH D030342.
Autosomal dominant nocturnal frontal lobe epilepsy 4. Also called: EPILEPSY, FAMILIAL, WITH NOCTURNAL WANDERING AND ICTAL FEAR; CHRNA2-Related Nocturnal Frontal Lobe Epilepsy, Autosomal Dominant. Identifiers: Orphanet 98784, MedGen C1835905, MONDO:0012474, OMIM 610353.

Allele frequency attached by ClinVar (database versions not stated): gnomAD exomes 0.52917; ExAC 0.53110; ESP Exome Variant Server 0.58012; gnomAD 0.58321 and 0.58886; TOPMed 0.59346; 1000 Genomes Project 0.61022; 1000 Genomes Project 30x 0.61571.
gnomAD v4.1: 814,886 of 1,609,834 alleles (51%); highest among the groups gnomAD compares: African/African-American, 77%; 212,156 homozygotes.

Submissions (11):

Labcorp Genetics (formerly Invitae), Labcorp
Classification: Benign. Last evaluated: 2026-02-04. Review status: criteria provided, single submitter. Criteria: Invitae Variant Classification Sherloc (09022015). Collection method: clinical testing. Allele origin: germline.

Blueprint Genetics
Classification: Benign. Last evaluated: 2024-11-27. Review status: criteria provided, single submitter. Criteria: ACMG Guidelines, 2015. Collection method: clinical testing. Allele origin: germline.

Unidad de Genómica Garrahan, Hospital de Pediatría Garrahan
Classification: Benign. Last evaluated: 2024-07-15. Review status: criteria provided, single submitter. Criteria: ACMG Guidelines, 2015. Collection method: clinical testing. Allele origin: germline. Affected: no. Observed: 74 variant alleles.
Comment: This variant is classified as Benign based on local population frequency. This variant was detected in 80% of patients studied in a panel designed for Epileptic and Developmental Encephalopathy and Progressive Myoclonus Epilepsy. Number of patients: 74. Only high quality variants are reported.

Genome-Nilou Lab
Classification: Benign for Autosomal dominant nocturnal frontal lobe epilepsy 4. Last evaluated: 2021-07-22. Review status: criteria provided, single submitter. Criteria: ACMG Guidelines, 2015. Collection method: clinical testing. Allele origin: germline. Affected: no.

Mayo Clinic Laboratories, Mayo Clinic
Classification: Benign. Last evaluated: 2018-07-02. Review status: criteria provided, single submitter. Criteria: ACMG Guidelines, 2015. Collection method: clinical testing. Allele origin: germline. Observed: 409 variant alleles.

Illumina Laboratory Services, Illumina
Classification: Benign for Autosomal dominant nocturnal frontal lobe epilepsy 4. Last evaluated: 2018-01-12. Review status: criteria provided, single submitter. Criteria: ICSL Variant Classification Criteria 13 December 2019. Collection method: clinical testing. Allele origin: germline.
Comment: This variant was observed in the ICSL laboratory as part of a predisposition screen in an ostensibly healthy population. It had not been previously curated by ICSL or reported in the Human Gene Mutation Database (HGMD: prior to June 1st, 2018), and was therefore a candidate for classification through an automated scoring system. Utilizing variant allele frequency, disease prevalence and penetrance estimates, and inheritance mode, an automated score was calculated to assess if this variant is too frequent to cause the disease. Based on the score and internal cut-off values, a variant classified as benign is not then subjected to further curation. The score for this variant resulted in a classification of benign for this disease.

Ambry Genetics
Classification: Benign for Inborn genetic diseases. Last evaluated: 2016-01-08. Review status: criteria provided, single submitter. Criteria: Ambry Variant Classification Scheme 2023. Collection method: clinical testing. Allele origin: germline.

Eurofins Ntd Llc (ga)
Classification: Benign. Last evaluated: 2015-01-02. Review status: criteria provided, single submitter. Criteria: EGL Classification Definitions 2015. Collection method: clinical testing. Allele origin: germline. Observed: 5 variant alleles, 3 heterozygotes, 2 homozygotes.

GeneDx
Classification: Benign. Last evaluated: 2013-06-25. Review status: criteria provided, single submitter. Criteria: GeneDx Variant Classification (06012015). Collection method: clinical testing. Allele origin: germline. Affected: yes.
Comment: This variant is considered likely benign or benign based on one or more of the following criteria: it is a conservative change, it occurs at a poorly conserved position in the protein, it is predicted to be benign by multiple in silico algorithms, and/or has population frequency not consistent with disease.

Breakthrough Genomics
Classification: Benign. Review status: criteria provided, single submitter. Criteria: ACMG Guidelines, 2015. Collection method: not provided. Allele origin: germline. Inheritance: Autosomal dominant inheritance. Affected: yes.

Genetic Services Laboratory, University of Chicago
Classification: Likely benign for AllHighlyPenetrant. Review status: no assertion criteria provided. Collection method: clinical testing. Allele origin: germline. Inheritance: Autosomal dominant inheritance. Not counted in ClinVar's aggregate classification.
Comment: Likely benign based on allele frequency in 1000 Genomes Project or ESP global frequency and its presence in a patient with a rare or unrelated disease phenotype. NOT Sanger confirmed.